The following is an entry in ClinVar:

ClinVar aggregate classification (germline): Uncertain significance (1 of 4 stars; one submission).

Conditions:
Primary ciliary dyskinesia. Also called: Ciliary dyskinesia. Identifiers: Orphanet 244, MedGen C0008780, MONDO:0016575, HP:0012265.

Submission:

Labcorp Genetics (formerly Invitae), Labcorp
Classification: Uncertain significance for Primary ciliary dyskinesia. Last evaluated: 2025-05-27. Review status: criteria provided, single submitter. Criteria: Invitae Variant Classification Sherloc (09022015). Collection method: clinical testing. Allele origin: germline.
Comment: This sequence change replaces tyrosine, which is neutral and polar, with cysteine, which is neutral and slightly polar, at codon 742 of the DNAH8 protein (p.Tyr742Cys). This variant is not present in population databases (gnomAD no frequency). This variant has not been reported in the literature in individuals affected with DNAH8-related conditions. Experimental studies and prediction algorithms are not available or were not evaluated, and the functional significance of this variant is currently unknown. In summary, the available evidence is currently insufficient to determine the role of this variant in disease. Therefore, it has been classified as a Variant of Uncertain Significance.

NM_001206927.2(DNAH8):c.2225A>G (p.Tyr742Cys)

Gene: DNAH8 (dynein axonemal heavy chain 8; plus strand). Cytogenetic location: 6p21.2.
Variant type: single nucleotide variant.
Coding change: c.2225A>G on transcript NM_001206927.2 (MANE Select); coding-DNA position 2225, A replaced by G.
Protein change: p.Tyr742Cys; replaces tyrosine 742 with cysteine.
Molecular consequence: missense variant.
Genome position (GRCh38, 1-based): chr6:38,781,339, A>G. VCF-style: chr6-38781339-A-G. GRCh37 (hg19) VCF-style: chr6-38749115-A-G.
Other names: c.1574A>G, p.Tyr525Cys (NM_001371.4); short protein forms Y525C, Y742C.
Identifiers: ClinVar variation 4719957 (VCV004719957.1).